The following is an entry in ClinVar:

ClinVar aggregate classification (germline): Likely benign. Review status: criteria provided, multiple submitters, no conflicts (2 of 4 stars). 3 submissions from 3 submitters: Likely benign (3). Last evaluated 2025-08-01.

Conditions:
Inborn genetic diseases. Identifiers: MedGen C0950123, MeSH D030342.
Cowden syndrome 6 (CWS6). Identifiers: Orphanet 201, MedGen C3554519, MONDO:0014048, OMIM 615109.

Allele frequency attached by ClinVar (database versions not stated): gnomAD 0.00001; TOPMed 0.00001; ExAC 0.00002; gnomAD exomes 0.00003; ESP Exome Variant Server 0.00015.
gnomAD v4.1: 53 of 1,613,240 alleles (0.0033%); highest among the groups gnomAD compares: Non-Finnish European, 0.0039%; no homozygotes.

Submissions (3):

CeGaT Center for Human Genetics Tuebingen
Classification: Likely benign. Last evaluated: 2025-08-01. Review status: criteria provided, single submitter. Criteria: CeGaT Center For Human Genetics Tuebingen Variant Classification Criteria Version 2. Collection method: clinical testing. Allele origin: germline. Affected: yes. Observed: 2 variant alleles.
Comment: AKT1: BP4, BP7

Labcorp Genetics (formerly Invitae), Labcorp
Classification: Likely benign for Cowden syndrome 6. Last evaluated: 2024-12-02. Review status: criteria provided, single submitter. Criteria: Invitae Variant Classification Sherloc (09022015). Collection method: clinical testing. Allele origin: germline.

Ambry Genetics
Classification: Likely benign for Inborn genetic diseases. Last evaluated: 2022-04-19. Review status: criteria provided, single submitter. Criteria: Ambry Variant Classification Scheme 2023. Collection method: clinical testing. Allele origin: germline.

NM_001382430.1(AKT1):c.267T>C (p.His89=)

Gene: AKT1 (AKT serine/threonine kinase 1; minus strand). Cytogenetic location: 14q32.33.
Variant type: single nucleotide variant.
Coding change: c.267T>C on transcript NM_001382430.1 (MANE Select); coding-DNA position 267, T replaced by C.
Protein change: p.His89=; no amino-acid change (histidine 89 retained).
Molecular consequence: synonymous variant.
Genome position (GRCh38, 1-based): chr14:104,776,679, A>G on the plus strand (T>C on the coding strand, the complement: AKT1 is on the minus strand). VCF-style: chr14-104776679-A-G. GRCh37 (hg19) VCF-style: chr14-105243016-A-G.
Other names: c.267T>C, p.His89= (NM_001014431.2, NM_001014432.2, NM_001382431.1 and 3 more transcripts).
Identifiers: ClinVar variation 416478 (VCV000416478.36), dbSNP rs142646145, ClinGen allele CA7374848.
Genomic context (GRCh38, chr14:104,776,679, plus strand): 5'-GCTGCCCAAGTGCCTGGCCTGGCCGCCACAGCCCACGTACCGCTCCTCAGGAGTCTCCAC[A>G]TGGAAGGTGCGTTCGATGACAGTGGTCCACTGCAGGCAGCGGATGATGAAGGTGTTGGGC-3'
Protein context (NP_001369359.1, residues 79-99): QWTTVIERTF[His89=]VETPEEREEW